The following is an entry in ClinVar:

NM_000263.4(NAGLU):c.235G>A (p.Gly79Ser)

Genes: NAGLU (N-acetyl-alpha-glucosaminidase; plus strand), LOC130060903 (ATAC-STARR-seq lymphoblastoid silent region 8533; plus strand). Cytogenetic location: 17q21.2.
Variant type: single nucleotide variant.
Coding change: c.235G>A on transcript NM_000263.4 (MANE Select); coding-DNA position 235, G replaced by A.
Protein change: p.Gly79Ser; replaces glycine 79 with serine.
Molecular consequence: missense variant.
Genome position (GRCh38, 1-based): chr17:42,536,507, G>A. VCF-style: chr17-42536507-G-A. GRCh37 (hg19) VCF-style: chr17-40688525-G-A.
Other names: c.235G>A (NM_000263.3); short protein forms G79S.
Identifiers: ClinVar variation 2154072 (VCV002154072.5), dbSNP rs1276484671, ClinGen allele CA399595752.

ClinVar aggregate classification (germline): Conflicting classifications of pathogenicity. Review status: criteria provided, conflicting classifications (1 of 4 stars). 2 submissions from 2 submitters: Likely pathogenic (1); Uncertain significance (1). Last evaluated 2025-12-24.

Conditions:
Inborn genetic diseases. Identifiers: MedGen C0950123, MeSH D030342.
Charcot-Marie-Tooth disease axonal type 2V. Also called: CHARCOT-MARIE-TOOTH NEUROPATHY, TYPE 2V; CHARCOT-MARIE-TOOTH DISEASE, AXONAL, AUTOSOMAL DOMINANT, TYPE 2V. Identifiers: Orphanet 447964, MedGen C5569050, MONDO:0014665, OMIM 616491.
Mucopolysaccharidosis, MPS-III-B (MPS3B). Also called: N-ACETYL-ALPHA-D-GLUCOSAMINIDASE DEFICIENCY; NAGLU DEFICIENCY; SANFILIPPO SYNDROME B; MPS III B; MUCOPOLYSACCHARIDOSIS, TYPE IIIB; MPS IIIB (Sanfilippo Syndrome Type B). Identifiers: Orphanet 79270, MedGen C0086648, MONDO:0009656, OMIM 252920.

Allele frequency attached by ClinVar (database versions not stated): TOPMed 0.00001; gnomAD 0.00003.
gnomAD v4.1: 12 of 1,245,796 alleles (0.00096%); highest among the groups gnomAD compares: African/African-American, 0.0031%; no homozygotes.

Submissions (2):

Labcorp Genetics (formerly Invitae), Labcorp
Classification: Likely pathogenic for Charcot-Marie-Tooth disease axonal type 2V; Mucopolysaccharidosis, MPS-III-B. Last evaluated: 2025-12-24. Review status: criteria provided, single submitter. Criteria: Invitae Variant Classification Sherloc (09022015). Collection method: clinical testing. Allele origin: germline.
Comment: This sequence change replaces glycine, which is neutral and non-polar, with serine, which is neutral and polar, at codon 79 of the NAGLU protein (p.Gly79Ser). This variant is present in population databases (no rsID available, gnomAD 0.02%). This variant has not been reported in the literature in individuals affected with NAGLU-related conditions. ClinVar contains an entry for this variant (Variation ID: 2154072). Invitae Evidence Modeling of protein sequence and biophysical properties (such as structural, functional, and spatial information, amino acid conservation, physicochemical variation, residue mobility, and thermodynamic stability) indicates that this missense variant is expected to disrupt NAGLU protein function with a positive predictive value of 95%. This variant disrupts the p.Gly79 amino acid residue in NAGLU. Other variant(s) that disrupt this residue have been determined to be pathogenic (PMID: 9950362, 21712855, 33747789). This suggests that this residue is clinically significant, and that variants that disrupt this residue are likely to be disease-causing. In summary, the currently available evidence indicates that the variant is pathogenic, but additional data are needed to prove that conclusively. Therefore, this variant has been classified as Likely Pathogenic.

Ambry Genetics
Classification: Uncertain significance for Inborn genetic diseases. Last evaluated: 2021-02-09. Review status: criteria provided, single submitter. Criteria: Ambry Variant Classification Scheme 2023. Collection method: clinical testing. Allele origin: germline.
Comment: The c.235G>A (p.G79S) alteration is located in exon 1 (coding exon 1) of the NAGLU gene. This alteration results from a G to A substitution at nucleotide position 235, causing the glycine (G) at amino acid position 79 to be replaced by a serine (S). The p.G79S alteration is predicted to be deleterious by in silico analysis. Based on insufficient or conflicting evidence, the clinical significance of this alteration remains unclear.

Literature cited by the submitters: PubMed 9950362 (cited by Labcorp Genetics (formerly Invitae), Labcorp); PubMed 21712855 (cited by Labcorp Genetics (formerly Invitae), Labcorp); PubMed 33747789 (cited by Labcorp Genetics (formerly Invitae), Labcorp); PubMed 11286389 (cited by Ambry Genetics).